The following is an entry in ClinVar:

ClinVar aggregate classification (germline): Benign. Review status: criteria provided, multiple submitters, no conflicts (2 of 4 stars). 12 submissions from 12 submitters: Benign (10). 2 of the submissions do not count toward it. Last evaluated 2026-02-04.

Conditions:
Autosomal recessive nonsyndromic hearing loss 3. Also called: NEUROSENSORY NONSYNDROMIC RECESSIVE DEAFNESS 3. Identifiers: Orphanet 90636, MedGen C1838263, MONDO:0010860, OMIM 600316.

Allele frequency attached by ClinVar (database versions not stated): 1000 Genomes Project 0.72145; ExAC 0.73120; 1000 Genomes Project 30x 0.73142; gnomAD exomes 0.73377; gnomAD 0.78029 and 0.78890; TOPMed 0.78711; ESP Exome Variant Server 0.79492.
gnomAD v4.1: 1,202,554 of 1,613,820 alleles (75%); highest among the groups gnomAD compares: African/African-American, 88%; 450,805 homozygotes.

Submissions (12):

Labcorp Genetics (formerly Invitae), Labcorp
Classification: Benign. Last evaluated: 2026-02-04. Review status: criteria provided, single submitter. Criteria: Invitae Variant Classification Sherloc (09022015). Collection method: clinical testing. Allele origin: germline.

Women's Health and Genetics/Laboratory Corporation of America, LabCorp
Classification: Benign. Last evaluated: 2026-01-08. Review status: criteria provided, single submitter. Criteria: LabCorp Variant Classification Summary - May 2015. Collection method: clinical testing. Allele origin: germline.

ARUP Laboratories, Molecular Genetics and Genomics, ARUP Laboratories
Classification: Benign for Autosomal recessive nonsyndromic hearing loss 3. Last evaluated: 2023-11-29. Review status: criteria provided, single submitter. Criteria: ARUP Molecular Germline Variant Investigation Process 2024. Collection method: clinical testing. Allele origin: germline.

Genome-Nilou Lab
Classification: Benign for Autosomal recessive nonsyndromic hearing loss 3. Last evaluated: 2021-09-05. Review status: criteria provided, single submitter. Criteria: ACMG Guidelines, 2015. Collection method: clinical testing. Allele origin: germline. Affected: no.

Mayo Clinic Laboratories, Mayo Clinic
Classification: Benign. Last evaluated: 2020-10-02. Review status: criteria provided, single submitter. Criteria: ACMG Guidelines, 2015. Collection method: clinical testing. Allele origin: germline. Observed: 149 variant alleles.

Illumina Laboratory Services, Illumina
Classification: Benign for Autosomal recessive nonsyndromic hearing loss 3. Last evaluated: 2018-01-12. Review status: criteria provided, single submitter. Criteria: ICSL Variant Classification Criteria 13 December 2019. Collection method: clinical testing. Allele origin: germline.
Comment: This variant was observed in the ICSL laboratory as part of a predisposition screen in an ostensibly healthy population. It had not been previously curated by ICSL or reported in the Human Gene Mutation Database (HGMD: prior to June 1st, 2018), and was therefore a candidate for classification through an automated scoring system. Utilizing variant allele frequency, disease prevalence and penetrance estimates, and inheritance mode, an automated score was calculated to assess if this variant is too frequent to cause the disease. Based on the score and internal cut-off values, a variant classified as benign is not then subjected to further curation. The score for this variant resulted in a classification of benign for this disease.

GeneDx
Classification: Benign. Last evaluated: 2017-05-09. Review status: criteria provided, single submitter. Criteria: GeneDx Variant Classification (06012015). Collection method: clinical testing. Allele origin: germline. Affected: yes.
Comment: This variant is considered likely benign or benign based on one or more of the following criteria: it is a conservative change, it occurs at a poorly conserved position in the protein, it is predicted to be benign by multiple in silico algorithms, and/or has population frequency not consistent with disease.

Laboratory for Molecular Medicine, Mass General Brigham Personalized Medicine
Classification: Benign. Last evaluated: 2012-05-07. Review status: criteria provided, single submitter. Criteria: LMM Criteria. Collection method: clinical testing. Allele origin: germline. Observed: 1,546 variant alleles.
Comment: "Tyr3477Tyr in Exon 65 of MYO15A: This variant is not expected to have clinical significance because it does not alter an amino acid residue, is not located wit hin the splice consensus sequence, and has been identified in 24.0% (1601/6668) of European American chromosomes from a broad population by the NHLBI Exome Sequ encing Project (dbSNP rs854800)."

Breakthrough Genomics
Classification: Benign. Review status: criteria provided, single submitter. Criteria: ACMG Guidelines, 2015. Collection method: not provided. Allele origin: germline. Inheritance: Autosomal recessive inheritance. Affected: yes.

PreventionGenetics, part of Exact Sciences
Classification: Benign. Review status: criteria provided, single submitter. Criteria: ACMG Guidelines, 2015. Collection method: clinical testing. Allele origin: germline.

Diagnostic Laboratory, Department of Genetics, University Medical Center Groningen
Classification: Benign. Review status: no assertion criteria provided. Collection method: clinical testing. Allele origin: germline. Affected: yes. Study: VKGL Data-share Consensus. Not counted in ClinVar's aggregate classification.

Joint Genome Diagnostic Labs from Nijmegen and Maastricht, Radboudumc and MUMC+
Classification: Benign. Review status: no assertion criteria provided. Collection method: clinical testing. Allele origin: germline. Affected: yes. Study: VKGL Data-share Consensus. Not counted in ClinVar's aggregate classification.

NM_016239.4(MYO15A):c.10431T>C (p.Tyr3477=)

Gene: MYO15A (myosin XVA; plus strand). Cytogenetic location: 17p11.2.
Variant type: single nucleotide variant.
Coding change: c.10431T>C on transcript NM_016239.4 (MANE Select); coding-DNA position 10431, T replaced by C.
Protein change: p.Tyr3477=; no amino-acid change (tyrosine 3477 retained).
Molecular consequence: synonymous variant.
Genome position (GRCh38, 1-based): chr17:18,173,861, T>C. VCF-style: chr17-18173861-T-C. GRCh37 (hg19) VCF-style: chr17-18077175-T-C.
Other names: p.Tyr3477=.
Identifiers: ClinVar variation 45744 (VCV000045744.38), dbSNP rs854800, ClinGen allele CA136986.